The following is an entry in ClinVar:

ClinVar aggregate classification (germline): Uncertain significance (1 of 4 stars; one submission).

Conditions:
Christianson syndrome (MRXSCH). Also called: SLC9A6-Related Syndromic Mental Retardation; X-linked mental retardation, syndromic, Christianson type; INTELLECTUAL DEVELOPMENTAL DISORDER, X-LINKED, SYNDROMIC, CHRISTIANSON TYPE. Identifiers: Orphanet 85278, MedGen C2678194, MONDO:0010278, OMIM 300243.

Allele frequency attached by ClinVar (database versions not stated): gnomAD 0.00001.
gnomAD v4.1: 4 of 1,101,352 alleles (0.00036%); highest among the groups gnomAD compares: Non-Finnish European, 0.00047%; no homozygotes.

Submission:

Labcorp Genetics (formerly Invitae), Labcorp
Classification: Uncertain significance for Christianson syndrome. Last evaluated: 2020-01-07. Review status: criteria provided, single submitter. Criteria: Invitae Variant Classification Sherloc (09022015). Collection method: clinical testing. Allele origin: germline.
Comment: This variant has not been reported in the literature in individuals with SLC9A6-related disease. In summary, the available evidence is currently insufficient to determine the role of this variant in disease. Therefore, it has been classified as a Variant of Uncertain Significance. Algorithms developed to predict the effect of missense changes on protein structure and function output the following: SIFT: "Tolerated"; PolyPhen-2: "Benign"; Align-GVGD: "Class C0". The leucine amino acid residue is found in multiple mammalian species, suggesting that this missense change does not adversely affect protein function. These predictions have not been confirmed by published functional studies and their clinical significance is uncertain. While this variant is not present in population databases, the frequency information is unreliable, as metrics indicate poor data quality at this position in the ExAC database. This sequence change replaces arginine with leucine at codon 3 of the SLC9A6 protein (p.Arg3Leu). The arginine residue is weakly conserved and there is a moderate physicochemical difference between arginine and leucine.

NM_001379110.1(SLC9A6):c.-57+33G>T

Genes: SLC9A6 (solute carrier family 9 member A6; plus strand), LOC130068746 (ATAC-STARR-seq lymphoblastoid silent region 21025; plus strand). Cytogenetic location: Xq26.3.
Variant type: single nucleotide variant.
Coding change: c.-57+33G>T on transcript NM_001379110.1 (MANE Select); 33 bases into the intron after 57 bases upstream of the start codon, G replaced by T.
Molecular consequence: intron variant. On other transcripts: missense variant (2).
Genome position (GRCh38, 1-based): chrX:135,985,510, G>T. VCF-style: chrX-135985510-G-T. GRCh37 (hg19) VCF-style: chrX-135067669-G-T.
Other names: c.8G>T, p.Arg3Leu (NM_001042537.2, NM_006359.3); c.-57+33G>T (NM_001177651.2); c.-57+38G>T (NM_001330652.2); short protein forms R3L.
Identifiers: ClinVar variation 572609 (VCV000572609.9), dbSNP rs1016216648, ClinGen allele CA336084215.
Genomic context (GRCh38, chrX:135,985,510, plus strand): 5'-GGTCCGACCGCGGGCGGCCGCCGGTGAGGTAGGGGCGGGAGGCGGGGGGAGACATGGCTC[G>T]GCGCGGCTGGCGGCGGGCACCCCTCCGCCGTGGCGTCGGCAGCAGTCCCCGAGCCCGCAG-3'